The following is an entry in ClinVar:

ClinVar aggregate classification (germline): Uncertain significance (1 of 4 stars; one submission).

Conditions:
Hereditary cancer-predisposing syndrome. Also called: Neoplastic Syndromes, Hereditary; Tumor predisposition; Hereditary Cancer Syndrome; Hereditary neoplastic syndrome. Identifiers: Orphanet 140162, MedGen C0027672, MeSH D009386, MONDO:0015356.

gnomAD v4.1: 1 of 1,614,028 alleles (0.000062%); highest among the groups gnomAD compares: South Asian, 0.0011%; no homozygotes.

Submission:

Ambry Genetics
Classification: Uncertain significance for Hereditary cancer-predisposing syndrome. Last evaluated: 2026-04-11. Review status: criteria provided, single submitter. Criteria: Ambry Variant Classification Scheme 2023. Collection method: clinical testing. Allele origin: germline.
Comment: The p.H67Y variant (also known as c.199C>T), located in coding exon 2 of the POLE gene, results from a C to T substitution at nucleotide position 199. The histidine at codon 67 is replaced by tyrosine, an amino acid with similar properties. This amino acid position is conserved. In addition, the in silico prediction for this alteration is inconclusive. Based on the available evidence, the clinical significance of this variant remains unclear.

NM_006231.4(POLE):c.199C>T (p.His67Tyr)

Gene: POLE (DNA polymerase epsilon, catalytic subunit; minus strand). Cytogenetic location: 12q24.33.
Variant type: single nucleotide variant.
Coding change: c.199C>T on transcript NM_006231.4 (MANE Select); coding-DNA position 199, C replaced by T.
Protein change: p.His67Tyr; replaces histidine 67 with tyrosine.
Molecular consequence: missense variant.
Genome position (GRCh38, 1-based): chr12:132,681,143, G>A on the plus strand (C>T on the coding strand, the complement: POLE is on the minus strand). VCF-style: chr12-132681143-G-A. GRCh37 (hg19) VCF-style: chr12-133257729-G-A.
Other names: short protein forms H67Y.
Identifiers: ClinVar variation 4862232 (VCV004862232.1).
Genomic context (GRCh38, chr12:132,681,143, plus strand): 5'-ATGACCAGAAGGGTTGCAGCCATATTCCTGGGTGGGAGAAGGACCTAGTGCTTACAGGAT[G>A]CATGTTAATGAGCCAGCCTGTCTTCTCACCAGGCTCCTTCAGCCGCTCAAAACCAAACCG-3'
Protein context (NP_006222.2, residues 57-77): GEKTGWLINM[His67Tyr]PTEILDEDKR